The following is an entry in ClinVar:

NM_004408.4(DNM1):c.2533A>G (p.Ser845Gly)

Gene: DNM1 (dynamin 1; plus strand). Cytogenetic location: 9q34.11.
Variant type: single nucleotide variant.
Coding change: c.2533A>G on transcript NM_004408.4 (MANE Select); coding-DNA position 2533, A replaced by G.
Protein change: p.Ser845Gly; replaces serine 845 with glycine.
Molecular consequence: missense variant.
Genome position (GRCh38, 1-based): chr9:128,250,939, A>G. VCF-style: chr9-128250939-A-G. GRCh37 (hg19) VCF-style: chr9-131013218-A-G.
Other names: c.2533A>G, p.Arg845Gly (NM_001005336.3, NM_001288737.2, NM_001288738.2 and 1 more transcripts); c.2533A>G, p.Ser845Gly (NM_001288739.2); short protein forms R845G, S845G.
Identifiers: ClinVar variation 3770106 (VCV003770106.1).

ClinVar aggregate classification (germline): Uncertain significance (1 of 4 stars; one submission).

Submission:

GeneDx
Classification: Uncertain significance. Last evaluated: 2024-09-12. Review status: criteria provided, single submitter. Criteria: GeneDx Variant Classification Process June 2021. Collection method: clinical testing. Allele origin: germline. Affected: yes.
Comment: Not observed at significant frequency in large population cohorts (gnomAD); In silico analysis indicates that this missense variant does not alter protein structure/function; Has not been previously published as pathogenic or benign to our knowledge